The following is an entry in ClinVar:

ClinVar aggregate classification (germline): Likely pathogenic (1 of 4 stars; one submission).

Conditions:
Recurrent metabolic encephalomyopathic crises-rhabdomyolysis-cardiac arrhythmia-intellectual disability syndrome (MECRCN). Also called: Metabolic encephalomyopathic crises, recurrent, with rhabdomyolysis, cardiac arrhythmias, and neurodegeneration; METABOLIC CRISES, RECURRENT, WITH RHABDOMYOLYSIS, CARDIAC ARRHYTHMIAS, AND NEURODEGENERATION; TANGO2 Deficiency. Identifiers: Orphanet 480864, MedGen C5567524, MONDO:0018820, OMIM 616878.

Allele frequency attached by ClinVar (database versions not stated): gnomAD exomes below 0.00001.
gnomAD v4.1: 1 of 1,605,126 alleles (0.000062%); highest among the groups gnomAD compares: African/African-American, 0.0013%; no homozygotes.

Submission:

Broad Center for Mendelian Genomics, Broad Institute of MIT and Harvard
Classification: Likely pathogenic for Recurrent metabolic encephalomyopathic crises-rhabdomyolysis-cardiac arrhythmia-intellectual disability syndrome. Last evaluated: 2023-05-02. Review status: criteria provided, single submitter. Criteria: ACMG Guidelines, 2015. Collection method: curation. Allele origin: germline. Inheritance: Autosomal recessive inheritance.
Comment: The homozygous c.503+1G>A variant in TANGO2 was identified by our study in two siblings with rhabdomyolysis, hypotonia, spastic diplegia, and global developmental delay. The c.503+1G>A variant in TANGO2 has not been previously reported in individuals with recurrent metabolic crises with rhabdomyolysis, cardiac arrhythmias, and neurodegeneration. This variant has also been reported in ClinVar (Variation ID: ‚Äã‚Äã813936), and has been classified as likely pathogenic by the Broad Institute Rare Disease Group. This variant was absent from large population studies. This variant is located in the 5' splice region. Computational tools predict a splicing impact, though this information is not predictive enough to determine pathogenicity. There is an in-frame cryptic splice site 192 bases from the intron-exon boundary, providing evidence that this variant may delete 64 amino acids instead of causing loss of function. However, this information is not predictive enough to determine pathogenicity. Loss of function of the TANGO2 gene is an established disease mechanism in autosomal recessive recurrent metabolic encephalomyopathic crises-rhabdomyolysis-cardiac arrhythmia-intellectual disability syndrome. In summary, although additional studies are required to fully establish its clinical significance, this variant is likely pathogenic for autosomal recessive recurrent metabolic encephalomyopathic crises-rhabdomyolysis-cardiac arrhythmia-intellectual disability syndrome. ACMG/AMP Criteria applied: PVS1_Strong, PM2_Supporting, PM3_Supporting (Richards 2015).

NM_152906.7(TANGO2):c.380+1G>A

Gene: TANGO2 (transport and golgi organization 2 homolog; plus strand). Cytogenetic location: 22q11.21.
Variant type: single nucleotide variant.
Coding change: c.380+1G>A on transcript NM_152906.7 (MANE Select); the canonical splice donor site of the intron after coding-DNA position 380, G replaced by A.
Molecular consequence: splice donor variant. On other transcripts: intron variant (18).
Genome position (GRCh38, 1-based): chr22:20,053,552, G>A. VCF-style: chr22-20053552-G-A. GRCh37 (hg19) VCF-style: chr22-20041075-G-A.
Other names: c.380+1G>A (NM_001283106.3, NM_001283154.3, NM_001283199.3 and 3 more transcripts); c.265+968G>A (NM_001322163.2, NM_001283179.3, NM_001322167.2 and 4 more transcripts); c.86+968G>A (NM_001322174.2, NM_001322172.2, NM_001322175.2 and 6 more transcripts); c.278+1G>A (NM_001322160.2, NM_001322146.2, NM_001322148.2); c.503+1G>A (NM_001322143.2, NM_001322141.2, NM_001283129.3 and 3 more transcripts); c.388+968G>A (NM_001322145.2, NM_001322147.2).
Identifiers: ClinVar variation 813936 (VCV000813936.2), dbSNP rs1602255030, ClinGen allele CA410696940.